The following is an entry in ClinVar:

NM_016955.4(SEPSECS):c.974C>G (p.Thr325Ser)

Gene: SEPSECS (Sep (O-phosphoserine) tRNA:Sec (selenocysteine) tRNA synthase; minus strand). Cytogenetic location: 4p15.2.
Variant type: single nucleotide variant.
Coding change: c.974C>G on transcript NM_016955.4 (MANE Select); coding-DNA position 974, C replaced by G.
Protein change: p.Thr325Ser; replaces threonine 325 with serine.
Molecular consequence: missense variant.
Genome position (GRCh38, 1-based): chr4:25,144,826, G>C on the plus strand (C>G on the coding strand, the complement: SEPSECS is on the minus strand). VCF-style: chr4-25144826-G-C. GRCh37 (hg19) VCF-style: chr4-25146448-G-C.
Other names: p.T325S; p.Thr325Ser; c.1229C>G, p.Thr410Ser (NM_001410714.1); short protein forms T325S, T410S.
Identifiers: ClinVar variation 4884327 (VCV004884327.1).
Genomic context (GRCh38, chr4:25,144,826, plus strand): 5'-AAGCTTACCTTTCTTTCTTTTAGTAGCTTCTTATAGCCATTTGATCCAAGTGACAATAAA[G>C]TAATAAGGACATCTAAAGAAGGTGAAGCTGAAGCTCTTCCTGAAATAAGAAGGATAAGTT-3'
Protein context (NP_058651.3, residues 315-335): SASPSLDVLI[Thr325Ser]LLSLGSNGYK

ClinVar aggregate classification (germline): Likely pathogenic (1 of 4 stars; one submission).

Conditions:
Pontocerebellar hypoplasia type 2D (PCH2D). Also called: Progressive cerebello-cerebral atrophy. Identifiers: Orphanet 247198, Orphanet 2524, MedGen C3151140, MONDO:0013438, OMIM 613811.

gnomAD v4.1: 7 of 1,613,250 alleles (0.00043%); no homozygotes.

Submission:

Clinical Genetics Laboratory, Universite de Sherbrooke
Classification: Likely pathogenic for Pontocerebellar hypoplasia type 2D. Last evaluated: 2016-08-01. Review status: criteria provided, single submitter. Criteria: ACMG Guidelines, 2015. Collection method: curation. Allele origin: germline. Affected: yes.
Comment: Reported in affected Finnish families in compound heterozygosity with SEPSECS c.1287C>A; p.Tyr429*, with functional evidence of reduced SepSecS activity, decreased selenoprotein levels, and increased oxidative damage (PMID:26115735). Structural analyses further showed that p.Thr325Ser reduces SepSecS stability and increases misfolding, despite preservation of the overall tetrameric structure (PMID:27576344).

Literature cited by the submitters: PubMed 26115735; PubMed 27576344.